The following is an entry in ClinVar:

ClinVar aggregate classification (germline): Uncertain significance. Review status: criteria provided, multiple submitters, no conflicts (2 of 4 stars). 2 submissions from 2 submitters: Uncertain significance (2). Last evaluated 2026-01-18.

Conditions:
Inborn genetic diseases. Identifiers: MedGen C0950123, MeSH D030342.

Allele frequency attached by ClinVar (database versions not stated): TOPMed 0.00003; ExAC 0.00002; gnomAD exomes below 0.00001; gnomAD 0.00001; ESP Exome Variant Server 0.00008.
gnomAD v4.1: 3 of 1,613,912 alleles (0.00019%); highest among the groups gnomAD compares: African/African-American, 0.0027%; no homozygotes.

Submissions (2):

Labcorp Genetics (formerly Invitae), Labcorp
Classification: Uncertain significance. Last evaluated: 2026-01-18. Review status: criteria provided, single submitter. Criteria: Invitae Variant Classification Sherloc (09022015). Collection method: clinical testing. Allele origin: germline.
Comment: This sequence change replaces glutamine, which is neutral and polar, with histidine, which is basic and polar, at codon 117 of the PRDM13 protein (p.Gln117His). This variant is present in population databases (rs373509781, gnomAD 0.007%). This variant has not been reported in the literature in individuals affected with PRDM13-related conditions. ClinVar contains an entry for this variant (Variation ID: 2968170). An algorithm developed to predict the effect of missense changes on protein structure and function (PolyPhen-2) suggests that this variant is likely to be disruptive. In summary, the available evidence is currently insufficient to determine the role of this variant in disease. Therefore, it has been classified as a Variant of Uncertain Significance.

Ambry Genetics
Classification: Uncertain significance for Inborn genetic diseases. Last evaluated: 2025-02-01. Review status: criteria provided, single submitter. Criteria: Ambry Variant Classification Scheme 2023. Collection method: clinical testing. Allele origin: germline.

NM_021620.4(PRDM13):c.351G>C (p.Gln117His)

Gene: PRDM13 (PR/SET domain 13; plus strand). Cytogenetic location: 6q16.2.
Variant type: single nucleotide variant.
Coding change: c.351G>C on transcript NM_021620.4 (MANE Select); coding-DNA position 351, G replaced by C.
Protein change: p.Gln117His; replaces glutamine 117 with histidine.
Molecular consequence: missense variant.
Genome position (GRCh38, 1-based): chr6:99,609,261, G>C. VCF-style: chr6-99609261-G-C. GRCh37 (hg19) VCF-style: chr6-100057137-G-C.
Other names: c.351G>C (NM_021620.3); short protein forms Q117H.
Identifiers: ClinVar variation 2968170 (VCV002968170.4), dbSNP rs373509781, ClinGen allele CA3936179.